The following is an entry in ClinVar:

NM_001130144.3(LTBP3):c.410G>A (p.Gly137Glu)

Gene: LTBP3 (latent transforming growth factor beta binding protein 3; minus strand). Cytogenetic location: 11q13.1.
Variant type: single nucleotide variant.
Coding change: c.410G>A on transcript NM_001130144.3 (MANE Select); coding-DNA position 410, G replaced by A.
Protein change: p.Gly137Glu; replaces glycine 137 with glutamic acid.
Molecular consequence: missense variant.
Genome position (GRCh38, 1-based): chr11:65,554,302, C>T on the plus strand (G>A on the coding strand, the complement: LTBP3 is on the minus strand). VCF-style: chr11-65554302-C-T. GRCh37 (hg19) VCF-style: chr11-65321773-C-T.
Other names: c.59G>A, p.Gly20Glu (NM_001164266.1); c.410G>A, p.Gly137Glu (NM_021070.4); short protein forms G20E, G137E.
Identifiers: ClinVar variation 2830212 (VCV002830212.3), dbSNP rs1221554355, ClinGen allele CA381276670.

ClinVar aggregate classification (germline): Uncertain significance (1 of 4 stars; one submission).

Conditions:
Brachyolmia-amelogenesis imperfecta syndrome. Also called: PLATYSPONDYLY WITH AMELOGENESIS IMPERFECTA; Tooth agenesis, selective, 6; Dental anomalies and short stature. Identifiers: Orphanet 2899, MedGen C1832594, MONDO:0011018, OMIM 601216. Disease mechanism: loss of function.

Submission:

Labcorp Genetics (formerly Invitae), Labcorp
Classification: Uncertain significance for Brachyolmia-amelogenesis imperfecta syndrome. Last evaluated: 2023-01-19. Review status: criteria provided, single submitter. Criteria: Invitae Variant Classification Sherloc (09022015). Collection method: clinical testing. Allele origin: germline.
Comment: In summary, the available evidence is currently insufficient to determine the role of this variant in disease. Therefore, it has been classified as a Variant of Uncertain Significance. Algorithms developed to predict the effect of missense changes on protein structure and function are either unavailable or do not agree on the potential impact of this missense change (SIFT: "Deleterious"; PolyPhen-2: "Probably Damaging"; Align-GVGD: "Class C0"). This variant has not been reported in the literature in individuals affected with LTBP3-related conditions. This variant is not present in population databases (gnomAD no frequency). This sequence change replaces glycine, which is neutral and non-polar, with glutamic acid, which is acidic and polar, at codon 137 of the LTBP3 protein (p.Gly137Glu).